The following is an entry in ClinVar:

ClinVar aggregate classification (germline): Benign/Likely benign. Review status: criteria provided, multiple submitters, no conflicts (2 of 4 stars). 4 submissions from 4 submitters: Benign (1); Likely benign (3). Last evaluated 2025-12-21.

Conditions:
Hereditary cancer-predisposing syndrome. Also called: Hereditary neoplastic syndrome; Neoplastic Syndromes, Hereditary; Hereditary Cancer Syndrome; Tumor predisposition. Identifiers: Orphanet 140162, MedGen C0027672, MeSH D009386, MONDO:0015356.
Hereditary leiomyomatosis and renal cell cancer. Also called: Familial leiomyomatosis; MULTIPLE CUTANEOUS AND UTERINE LEIOMYOMATA 1, WITH OR WITHOUT RENAL CELL CARCINOMA; LEIOMYOMA, MULTIPLE CUTANEOUS; Reed syndrome; Multiple cutaneous and uterine leiomyomatosis; Cutaneous leiomyomata with uterine leiomyomata. Identifiers: Orphanet 523, MedGen C1708350, MONDO:0007888, OMIM 150800, HP:0007437. Disease mechanism: loss of function.

Allele frequency attached by ClinVar (database versions not stated): TOPMed below 0.00001; ExAC 0.00001; gnomAD exomes 0.00001.
gnomAD v4.1: 7 of 1,613,530 alleles (0.00043%); highest among the groups gnomAD compares: Non-Finnish European, 0.00059%; no homozygotes.

Submissions (4):

Labcorp Genetics (formerly Invitae), Labcorp
Classification: Likely benign. Last evaluated: 2025-12-21. Review status: criteria provided, single submitter. Criteria: Invitae Variant Classification Sherloc (09022015). Collection method: clinical testing. Allele origin: germline.

Myriad Genetics, Inc.
Classification: Benign for Hereditary leiomyomatosis and renal cell cancer. Last evaluated: 2024-10-21. Review status: criteria provided, single submitter. Criteria: Myriad Autosomal Dominant, Autosomal Recessive and X-Linked Classification Criteria (2023). Collection method: clinical testing. Allele origin: unknown.
Comment: This variant is considered benign. This variant is a silent/synonymous amino acid change and it is not expected to impact splicing.

CeGaT Center for Human Genetics Tuebingen
Classification: Likely benign. Last evaluated: 2022-09-01. Review status: criteria provided, single submitter. Criteria: CeGaT Center For Human Genetics Tuebingen Variant Classification Criteria Version 2. Collection method: clinical testing. Allele origin: germline. Affected: yes. Observed: 1 variant allele.
Comment: FH: BP4, BP7

Ambry Genetics
Classification: Likely benign for Hereditary cancer-predisposing syndrome. Last evaluated: 2017-01-06. Review status: criteria provided, single submitter. Criteria: Ambry Variant Classification Scheme 2023. Collection method: clinical testing. Allele origin: germline.

NM_000143.4(FH):c.1293A>G (p.Thr431=)

Gene: FH (fumarate hydratase; minus strand). Cytogenetic location: 1q43.
Variant type: single nucleotide variant.
Coding change: c.1293A>G on transcript NM_000143.4 (MANE Select); coding-DNA position 1293, A replaced by G.
Protein change: p.Thr431=; no amino-acid change (threonine 431 retained).
Molecular consequence: synonymous variant.
Genome position (GRCh38, 1-based): chr1:241,500,534, T>C on the plus strand (A>G on the coding strand, the complement: FH is on the minus strand). VCF-style: chr1-241500534-T-C. GRCh37 (hg19) VCF-style: chr1-241663834-T-C.
Identifiers: ClinVar variation 485558 (VCV000485558.38), dbSNP rs772800627, ClinGen allele CA1478484.